The following is an entry in ClinVar:

ClinVar aggregate classification (germline): Uncertain significance (1 of 4 stars; one submission).

Conditions:
Cardiovascular phenotype. Identifiers: MedGen CN230736.

gnomAD v4.1: 5 of 1,532,898 alleles (0.00033%); highest among the groups gnomAD compares: East Asian, 0.0026%; no homozygotes.

Submission:

Ambry Genetics
Classification: Uncertain significance for Cardiovascular phenotype. Last evaluated: 2021-03-08. Review status: criteria provided, single submitter. Criteria: Ambry Variant Classification Scheme 2023. Collection method: clinical testing. Allele origin: germline.
Comment: The c.-5C>A variant is located in the 5' untranslated region (5&rsquo; UTR) of the TXNRD2 gene. This variant results from a C to A substitution 5 bases upstream from the first translated codon. This nucleotide position is not well conserved in available vertebrate species. Since supporting evidence is limited at this time, the clinical significance of this alteration remains unclear.

Literature cited by the submitters: PubMed 12203988.

NM_006440.5(TXNRD2):c.-5C>A

Genes: COMT (catechol-O-methyltransferase; plus strand), TXNRD2 (thioredoxin reductase 2; minus strand). Cytogenetic location: 22q11.21.
Variant type: single nucleotide variant.
Coding change: c.-5C>A on transcript NM_006440.5 (MANE Select); 5 bases upstream of the start codon, C replaced by A.
Molecular consequence: 5 prime UTR variant. On other transcripts: non-coding transcript variant (1).
Genome position (GRCh38, 1-based): chr22:19,941,808, G>T on the plus strand (C>A on the coding strand, the complement: TXNRD2 is on the minus strand). VCF-style: chr22-19941808-G-T. GRCh37 (hg19) VCF-style: chr22-19929331-G-T.
Other names: c.-5C>A (NM_001282512.3, NM_001352300.2); c.-181G>T (NM_000754.4); c.-475G>T (NM_001362828.2).
Identifiers: ClinVar variation 1750981 (VCV001750981.2), dbSNP rs761671459, ClinGen allele CA10104422.